The following is an entry in ClinVar:

NM_001350451.2(RBFOX3):c.62A>C (p.Glu21Ala)

Gene: RBFOX3 (RNA binding fox-1 homolog 3; minus strand). Cytogenetic location: 17q25.3.
Variant type: single nucleotide variant.
Coding change: c.62A>C on transcript NM_001350451.2 (MANE Select); coding-DNA position 62, A replaced by C.
Protein change: p.Glu21Ala; replaces glutamic acid 21 with alanine.
Molecular consequence: missense variant.
Genome position (GRCh38, 1-based): chr17:79,115,654, T>G on the plus strand (A>C on the coding strand, the complement: RBFOX3 is on the minus strand). VCF-style: chr17-79115654-T-G. GRCh37 (hg19) VCF-style: chr17-77111736-T-G.
Other names: c.62A>C, p.Glu21Ala (NM_001082575.3, NM_001350453.2, NM_001385804.1 and 43 more transcripts); short protein forms E21A.
Identifiers: ClinVar variation 529512 (VCV000529512.7), dbSNP rs1167103679, ClinGen allele CA401318177.
Genomic context (GRCh38, chr17:79,115,654, plus strand): 5'-GTGGGGACCGGGGTCTGGCCGGAGTAGTCCTGCGTGGGGTGCGGTGGGGGCGGGGCGTAC[T>G]CGGCAGGGATGCCGTTCTGTGGCGGAGGGGGGTACTGGGCGGGGGGGTAGGGCTGGGCCA-3'
Protein context (NP_001337380.1, residues 11-31): PPPPQNGIPA[Glu21Ala]YAPPPPHPTQ

ClinVar aggregate classification (germline): Uncertain significance (1 of 4 stars; one submission).

Conditions:
Idiopathic generalized epilepsy. Also called: Generalised epilepsy; EIG. Identifiers: MedGen C0270850, MONDO:0005579, OMIM 600669.

Allele frequency attached by ClinVar (database versions not stated): gnomAD 0.00002 and 0.00004.
gnomAD v4.1: 14 of 1,113,654 alleles (0.0013%); highest among the groups gnomAD compares: Non-Finnish European, 0.0016%; no homozygotes.

Submission:

Labcorp Genetics (formerly Invitae), Labcorp
Classification: Uncertain significance for Idiopathic generalized epilepsy. Last evaluated: 2024-07-25. Review status: criteria provided, single submitter. Criteria: Invitae Variant Classification Sherloc (09022015). Collection method: clinical testing. Allele origin: germline.
Comment: This sequence change replaces glutamic acid, which is acidic and polar, with alanine, which is neutral and non-polar, at codon 21 of the RBFOX3 protein (p.Glu21Ala). This variant is present in population databases (no rsID available, gnomAD 0.008%). This variant has not been reported in the literature in individuals affected with RBFOX3-related conditions. ClinVar contains an entry for this variant (Variation ID: 529512). Advanced modeling of protein sequence and biophysical properties (such as structural, functional, and spatial information, amino acid conservation, physicochemical variation, residue mobility, and thermodynamic stability) performed at Invitae indicates that this missense variant is not expected to disrupt RBFOX3 protein function with a negative predictive value of 80%. In summary, the available evidence is currently insufficient to determine the role of this variant in disease. Therefore, it has been classified as a Variant of Uncertain Significance.